The following is an entry in ClinVar:

ClinVar aggregate classification (germline): Pathogenic (1 of 4 stars; one submission).

Conditions:
Marfan syndrome (MFS). Also called: MARFAN SYNDROME, TYPE I; Marfan syndrome type 1; Marfan's syndrome; Marfan syndrome, classic; FBN1-Related Marfan Syndrome. Identifiers: Orphanet 284963, Orphanet 558, MedGen C0024796, MONDO:0007947, OMIM 154700.
Familial thoracic aortic aneurysm and aortic dissection (TAAD). Also called: Thoracic aortic aneurysms and dissections. Identifiers: Orphanet 91387, MedGen C4707243, MONDO:0019625.

Submission:

Labcorp Genetics (formerly Invitae), Labcorp
Classification: Pathogenic for Marfan syndrome; Familial thoracic aortic aneurysm and aortic dissection. Last evaluated: 2021-03-01. Review status: criteria provided, single submitter. Criteria: Invitae Variant Classification Sherloc (09022015). Collection method: clinical testing. Allele origin: germline.
Comment: For these reasons, this variant has been classified as Pathogenic. This variant affects a cysteine residue in the EGF-like, TGFBP or hybrid motif domains of FBN1. Cysteine residues are believed to be involved in intramolecular disulfide bridges and have been shown to be important for FBN1 protein structure (PMID: 16905551, 19349279). In addition, missense substitutions affecting cysteine residues within these domains are significantly overrepresented among patients with Marfan syndrome (PMID: 16571647, 17701892). This variant has not been reported in the literature in individuals with FBN1-related conditions. This variant is an in-frame deletion of the genomic region encompassing exons 7-18 of the FBN1 gene. It preserves the integrity of the reading frame.

Literature cited by the submitters: PubMed 16905551; PubMed 19349279; PubMed 16571647; PubMed 17701892.

NC_000015.9:g.(?_48791162)_(48830025_?)del

Gene: FBN1 (fibrillin 1; minus strand). Cytogenetic location: 15q21.1.
Variant type: Deletion.
Identifiers: ClinVar variation 1460181 (VCV001460181.6).